The following is an entry in ClinVar:

NM_000038.6(APC):c.5253_5258delinsTT (p.Gln1751fs)

Gene: APC (APC regulator of Wnt signaling pathway; plus strand). Cytogenetic location: 5q22.2.
Variant type: Indel.
Coding change: c.5253_5258delinsTT on transcript NM_000038.6 (MANE Select); coding-DNA positions 5253 to 5258, GCAAGC replaced by TT.
Protein change: p.Gln1751fs; shifts the reading frame from glutamine 1751.
Molecular consequence: frameshift variant. On other transcripts: non-coding transcript variant (2).
Genome position (GRCh38, 1-based): chr5:112,840,847-112,840,852, GCAAGC replaced by TT. VCF-style: chr5-112840847-GCAAGC-TT. GRCh37 (hg19) VCF-style: chr5-112176544-GCAAGC-TT.
Other names: c.4773_4778delinsTT, p.Gln1591fs (NM_001354905.2); c.4404_4409delinsTT, p.Gln1468fs (NM_001354906.2, NM_001407470.1); c.5307_5312delinsTT, p.Gln1769fs (NM_001407449.1, NM_001407447.1, NM_001407448.1 and 1 more transcripts); c.5337_5342delinsTT, p.Gln1779fs (NM_001407446.1); c.5253_5258delinsTT, p.Gln1751fs (NM_001127510.3, NM_001354895.2, NM_001407450.1); c.5199_5204delinsTT, p.Gln1733fs (NM_001127511.3); c.5283_5288delinsTT, p.Gln1761fs (NM_001354897.2); c.5178_5183delinsTT, p.Gln1726fs (NM_001354898.2); and 11 more; short protein forms Q1367fs, Q1468fs, Q1591fs, Q1622fs, Q1625fs, Q1650fs, Q1660fs, Q1668fs.
Identifiers: ClinVar variation 2583990 (VCV002583990.2), dbSNP rs2533631710, ClinGen allele CA2582341423.

ClinVar aggregate classification (germline): Pathogenic (1 of 4 stars; one submission).

Conditions:
Familial adenomatous polyposis 1 (FAP1). Also called: FAMILIAL ADENOMATOUS POLYPOSIS 1, ATTENUATED; POLYPOSIS, ADENOMATOUS INTESTINAL. Identifiers: MedGen C2713442, MONDO:0021056, OMIM 175100. Disease mechanism: loss of function.

Submission:

Myriad Genetics, Inc.
Classification: Pathogenic for Familial adenomatous polyposis 1. Last evaluated: 2023-05-12. Review status: criteria provided, single submitter. Criteria: Myriad Autosomal Dominant, Autosomal Recessive and X-Linked Classification Criteria (2023). Collection method: clinical testing. Allele origin: unknown.
Comment: This variant is considered pathogenic. This variant creates a frameshift predicted to result in premature protein truncation.